The following is an entry in ClinVar:

NM_003001.5(SDHC):c.459G>A (p.Val153=)

Gene: SDHC (succinate dehydrogenase complex subunit C; plus strand). Cytogenetic location: 1q23.3.
Variant type: single nucleotide variant.
Coding change: c.459G>A on transcript NM_003001.5 (MANE Select); coding-DNA position 459, G replaced by A.
Protein change: p.Val153=; no amino-acid change (valine 153 retained).
Molecular consequence: synonymous variant. On other transcripts: missense variant (3), non-coding transcript variant (1).
Genome position (GRCh38, 1-based): chr1:161,362,382, G>A. VCF-style: chr1-161362382-G-A. GRCh37 (hg19) VCF-style: chr1-161332172-G-A.
Other names: c.295G>A, p.Gly99Ser (NM_001035511.3); c.357G>A, p.Val119= (NM_001035512.3); c.300G>A, p.Val100= (NM_001035513.3); c.193G>A, p.Gly65Ser (NM_001278172.3); c.579G>A, p.Val193= (NM_001407115.1); c.402G>A, p.Val134= (NM_001407116.1); c.396G>A, p.Val132= (NM_001407117.1); c.351G>A, p.Val117= (NM_001407118.1); and 2 more; short protein forms G65S, G80S, G99S.
Identifiers: ClinVar variation 1741769 (VCV001741769.3), dbSNP rs770599902, ClinGen allele CA047475.
Genomic context (GRCh38, chr1:161,362,382, plus strand): 5'-TCCACAGATGTGGGACCTAGGAAAAGGCCTGAAGATTCCCCAGCTATACCAGTCTGGAGT[G>A]GTTGTCCTGGTTCTTACTGTGTTGTCCTCTATGGGGCTGGCAGCCATGTGAAGAAAGGAG-3'
Protein context (NP_002992.1, residues 143-163): LKIPQLYQSG[Val153=]VVLVLTVLSS

ClinVar aggregate classification (germline): Benign/Likely benign. Review status: criteria provided, multiple submitters, no conflicts (2 of 4 stars). 2 submissions from 2 submitters: Benign (1); Likely benign (1). Last evaluated 2025-03-17.

Conditions:
Hereditary cancer-predisposing syndrome. Also called: Hereditary Cancer Syndrome; Hereditary neoplastic syndrome; Neoplastic Syndromes, Hereditary; Tumor predisposition. Identifiers: Orphanet 140162, MedGen C0027672, MeSH D009386, MONDO:0015356.
Pheochromocytoma/paraganglioma syndrome 3. Also called: GLOMUS TUMORS, FAMILIAL, 3; Paragangliomas 3; SDHC-Related Hereditary Paraganglioma-Pheochromocytoma Syndrome (Paragangliomas 3); SDHC-Related Hereditary Paraganglioma-Pheochromocytoma Syndrome. Identifiers: Orphanet 29072, MedGen C1854336, MONDO:0011544, OMIM 605373.

Allele frequency attached by ClinVar (database versions not stated): gnomAD exomes below 0.00001; ExAC 0.00001.
gnomAD v4.1: 1 of 1,613,508 alleles (0.000062%); highest among the groups gnomAD compares: Non-Finnish European, 0.000085%; no homozygotes.

Submissions (2):

Myriad Genetics, Inc.
Classification: Benign for Pheochromocytoma/paraganglioma syndrome 3. Last evaluated: 2025-03-17. Review status: criteria provided, single submitter. Criteria: Myriad Autosomal Dominant, Autosomal Recessive and X-Linked Classification Criteria (2023). Collection method: clinical testing. Allele origin: unknown.
Comment: This variant is considered benign. This variant is a silent/synonymous amino acid change and it is not expected to impact splicing.

Ambry Genetics
Classification: Likely benign for Hereditary cancer-predisposing syndrome. Last evaluated: 2022-09-01. Review status: criteria provided, single submitter. Criteria: Ambry Variant Classification Scheme 2023. Collection method: clinical testing. Allele origin: germline.